The following is an entry in ClinVar:

NM_001367624.2(ZNF469):c.3737G>C (p.Arg1246Pro)

Gene: ZNF469 (zinc finger protein 469; plus strand). Cytogenetic location: 16q24.2.
Variant type: single nucleotide variant.
Coding change: c.3737G>C on transcript NM_001367624.2 (MANE Select); coding-DNA position 3737, G replaced by C.
Protein change: p.Arg1246Pro; replaces arginine 1246 with proline.
Molecular consequence: missense variant.
Genome position (GRCh38, 1-based): chr16:88,431,207, G>C. VCF-style: chr16-88431207-G-C. GRCh37 (hg19) VCF-style: chr16-88497615-G-C.
Other names: NM_001127464.1:c.3653G>C; short protein forms R1246P.
Identifiers: ClinVar variation 3258209 (VCV003258209.1).
Genomic context (GRCh38, chr16:88,431,207, plus strand): 5'-AGGAGCCTGAAACTGCCGAAGAGTCAGCCCCGGACAGCACAGAATTCACAGAGGCTTTGC[G>C]TTCTCCTCCAGCCGCCTGTGCGGGAGAAATGGGAGCAAGCCCCGGTCTCCTGATACCAGA-3'
Protein context (NP_001354553.1, residues 1236-1256): PDSTEFTEAL[Arg1246Pro]SPPAACAGEM

ClinVar aggregate classification (germline): Uncertain significance (1 of 4 stars; one submission).

Conditions:
Cardiovascular phenotype. Identifiers: MedGen CN230736.

Submission:

Ambry Genetics
Classification: Uncertain significance for Cardiovascular phenotype. Last evaluated: 2024-03-21. Review status: criteria provided, single submitter. Criteria: Ambry Variant Classification Scheme 2023. Collection method: clinical testing. Allele origin: germline.
Comment: The p.R1218P variant (also known as c.3653G>C), located in coding exon 2 of the ZNF469 gene, results from a G to C substitution at nucleotide position 3653. The arginine at codon 1218 is replaced by proline, an amino acid with dissimilar properties. This amino acid position is conserved. In addition, this alteration is predicted to be tolerated by in silico analysis. Based on the available evidence, the clinical significance of this alteration remains unclear.